The following is an entry in ClinVar:

ClinVar aggregate classification (germline): Likely benign. Review status: criteria provided, single submitter (1 of 4 stars). 2 submissions from 2 submitters: Likely benign (1). 1 of the submissions does not count toward it. Last evaluated 2025-12-23.

Conditions:
TGM1-related disorder. Also called: TGM1-related condition.

Allele frequency attached by ClinVar (database versions not stated): gnomAD exomes 0.00002 and 0.00003; ExAC 0.00005; gnomAD 0.00013 and 0.00016; ESP Exome Variant Server 0.00015; TOPMed 0.00017.
gnomAD v4.1: 43 of 1,614,030 alleles (0.0027%); highest among the groups gnomAD compares: African/African-American, 0.055%; no homozygotes.

Submissions (2):

Labcorp Genetics (formerly Invitae), Labcorp
Classification: Likely benign. Last evaluated: 2025-12-23. Review status: criteria provided, single submitter. Criteria: Invitae Variant Classification Sherloc (09022015). Collection method: clinical testing. Allele origin: germline.

PreventionGenetics, part of Exact Sciences
Classification: Likely benign for TGM1-related condition. Last evaluated: 2019-04-10. Review status: no assertion criteria provided. Collection method: clinical testing. Allele origin: germline. Not counted in ClinVar's aggregate classification.
Comment: This variant is classified as likely benign based on ACMG/AMP sequence variant interpretation guidelines (Richards et al. 2015 PMID: 25741868, with internal and published modifications).

NM_000359.3(TGM1):c.1767G>T (p.Val589=)

Gene: TGM1 (transglutaminase 1; minus strand). Cytogenetic location: 14q12.
Variant type: single nucleotide variant.
Coding change: c.1767G>T on transcript NM_000359.3 (MANE Select); coding-DNA position 1767, G replaced by T.
Protein change: p.Val589=; no amino-acid change (valine 589 retained).
Molecular consequence: synonymous variant.
Genome position (GRCh38, 1-based): chr14:24,255,132, C>A on the plus strand (G>T on the coding strand, the complement: TGM1 is on the minus strand). VCF-style: chr14-24255132-C-A. GRCh37 (hg19) VCF-style: chr14-24724338-C-A.
Other names: c.1767G>T (NM_000359.2).
Identifiers: ClinVar variation 1152344 (VCV001152344.11), dbSNP rs141134584, ClinGen allele CA7130979.